The following is an entry in ClinVar:

ClinVar aggregate classification (germline): Uncertain significance. Review status: criteria provided, multiple submitters, no conflicts (2 of 4 stars). 3 submissions from 3 submitters: Uncertain significance (3). Last evaluated 2024-05-21.

Conditions:
Familial hypobetalipoproteinemia 1. Also called: APOB-Related Familial Hypobetalipoproteinemia; Hypobetalipoproteinemia, normotriglyceridemic; Acanthocytosis with hypobetalipoproteinemia. Identifiers: MedGen C4551990, MONDO:0014252, OMIM 615558.
Hypercholesterolemia, autosomal dominant, type B (FHCL2). Also called: Hyperlipoproteinemia Type IIb; Familial hypercholesterolemia 2; Familial Hypercholesterolemia Type B; APOLIPOPROTEIN B-100, FAMILIAL DEFECTIVE; APOLIPOPROTEIN B-100, FAMILIAL LIGAND-DEFECTIVE; HYPERCHOLESTEROLEMIA, FAMILIAL, DUE TO LIGAND-DEFECTIVE APOLIPOPROTEIN B. Identifiers: MedGen C1704417, MONDO:0007751, OMIM 144010.
Cardiovascular phenotype. Identifiers: MedGen CN230736.

Allele frequency attached by ClinVar (database versions not stated): gnomAD 0.00001; TOPMed 0.00001.
gnomAD v4.1: 1 of 1,614,108 alleles (0.000062%); highest among the groups gnomAD compares: Non-Finnish European, 0.000085%; no homozygotes.

Submissions (3):

Quest Diagnostics Nichols Institute San Juan Capistrano
Classification: Uncertain significance. Last evaluated: 2024-05-21. Review status: criteria provided, single submitter. Criteria: Quest Diagnostics criteria. Collection method: clinical testing. Allele origin: unknown.
Comment: The APOB c.4115C>T (p.Ser1372Phe) variant has not been reported in individuals with APOB-related conditions in the published literature. The frequency of this variant in the general population, 0.0000066 (1/152216 chromosomes (Genome Aggregation Database)), is uninformative in the assessment of its pathogenicity. Analysis of this variant using bioinformatics tools for the prediction of the effect of amino acid changes on protein structure and function yielded conflicting predictions that this variant is benign or damaging. Based on the available information, we are unable to determine the clinical significance of this variant.

Labcorp Genetics (formerly Invitae), Labcorp
Classification: Uncertain significance for Familial hypobetalipoproteinemia 1; Hypercholesterolemia, autosomal dominant, type B. Last evaluated: 2024-05-09. Review status: criteria provided, single submitter. Criteria: Invitae Variant Classification Sherloc (09022015). Collection method: clinical testing. Allele origin: germline.
Comment: This sequence change replaces serine, which is neutral and polar, with phenylalanine, which is neutral and non-polar, at codon 1372 of the APOB protein (p.Ser1372Phe). This variant is not present in population databases (gnomAD no frequency). This variant has not been reported in the literature in individuals affected with APOB-related conditions. ClinVar contains an entry for this variant (Variation ID: 1737954). Advanced modeling of protein sequence and biophysical properties (such as structural, functional, and spatial information, amino acid conservation, physicochemical variation, residue mobility, and thermodynamic stability) performed at Invitae indicates that this missense variant is not expected to disrupt APOB protein function with a negative predictive value of 95%. In summary, the available evidence is currently insufficient to determine the role of this variant in disease. Therefore, it has been classified as a Variant of Uncertain Significance.

Ambry Genetics
Classification: Uncertain significance for Cardiovascular phenotype. Last evaluated: 2022-04-25. Review status: criteria provided, single submitter. Criteria: Ambry Variant Classification Scheme 2023. Collection method: clinical testing. Allele origin: germline.
Comment: The p.S1372F variant (also known as c.4115C>T), located in coding exon 25 of the APOB gene, results from a C to T substitution at nucleotide position 4115. The serine at codon 1372 is replaced by phenylalanine, an amino acid with highly dissimilar properties. This amino acid position is conserved. In addition, this alteration is predicted to be tolerated by in silico analysis. Since supporting evidence is limited at this time, the clinical significance of this alteration remains unclear.

NM_000384.3(APOB):c.4115C>T (p.Ser1372Phe)

Gene: APOB (apolipoprotein B; minus strand). Cytogenetic location: 2p24.1.
Variant type: single nucleotide variant.
Coding change: c.4115C>T on transcript NM_000384.3 (MANE Select); coding-DNA position 4115, C replaced by T.
Protein change: p.Ser1372Phe; replaces serine 1372 with phenylalanine.
Molecular consequence: missense variant.
Genome position (GRCh38, 1-based): chr2:21,013,261, G>A on the plus strand (C>T on the coding strand, the complement: APOB is on the minus strand). VCF-style: chr2-21013261-G-A. GRCh37 (hg19) VCF-style: chr2-21236133-G-A.
Other names: short protein forms S1372F.
Identifiers: ClinVar variation 1737954 (VCV001737954.5), dbSNP rs930883549, ClinGen allele CA43509335.